The following is an entry in ClinVar:

ClinVar aggregate classification (germline): Uncertain significance. Review status: criteria provided, multiple submitters, no conflicts (2 of 4 stars). 3 submissions from 3 submitters: Uncertain significance (3). Last evaluated 2024-10-12.

Conditions:
Hereditary cancer-predisposing syndrome. Also called: Hereditary neoplastic syndrome; Neoplastic Syndromes, Hereditary; Tumor predisposition; Hereditary Cancer Syndrome. Identifiers: Orphanet 140162, MedGen C0027672, MeSH D009386, MONDO:0015356.
Rhabdoid tumor predisposition syndrome 2 (RTPS2). Identifiers: Orphanet 231108, Orphanet 69077, MedGen C2750074, MONDO:0013224, OMIM 613325.

Submissions (3):

Ambry Genetics
Classification: Uncertain significance for Hereditary cancer-predisposing syndrome. Last evaluated: 2024-10-12. Review status: criteria provided, single submitter. Criteria: Ambry Variant Classification Scheme 2023. Collection method: clinical testing. Allele origin: germline.
Comment: The p.P236L variant (also known as c.707C>T), located in coding exon 3 of the SMARCA4 gene, results from a C to T substitution at nucleotide position 707. The proline at codon 236 is replaced by leucine, an amino acid with similar properties. This amino acid position is conserved. In addition, the in silico prediction for this alteration is inconclusive. Based on the available evidence, the clinical significance of this variant remains unclear.

Labcorp Genetics (formerly Invitae), Labcorp
Classification: Uncertain significance for Rhabdoid tumor predisposition syndrome 2. Last evaluated: 2023-06-24. Review status: criteria provided, single submitter. Criteria: Invitae Variant Classification Sherloc (09022015). Collection method: clinical testing. Allele origin: germline.
Comment: In summary, the available evidence is currently insufficient to determine the role of this variant in disease. Therefore, it has been classified as a Variant of Uncertain Significance. Advanced modeling of protein sequence and biophysical properties (such as structural, functional, and spatial information, amino acid conservation, physicochemical variation, residue mobility, and thermodynamic stability) performed at Invitae indicates that this missense variant is not expected to disrupt SMARCA4 protein function. ClinVar contains an entry for this variant (Variation ID: 470451). This variant has not been reported in the literature in individuals affected with SMARCA4-related conditions. This variant is not present in population databases (gnomAD no frequency). This sequence change replaces proline, which is neutral and non-polar, with leucine, which is neutral and non-polar, at codon 236 of the SMARCA4 protein (p.Pro236Leu).

Sema4
Classification: Uncertain significance for Hereditary cancer-predisposing syndrome. Last evaluated: 2021-05-10. Review status: criteria provided, single submitter. Criteria: Sema4 Curation Guidelines. Collection method: curation. Allele origin: germline.
Comment: The SMARCA4 c.707C>T (p.P236L) variant has not been reported in the literature to our knowledge. It was not observed in the large and broad cohorts of the Genome Aggregation Database (PMID: 32461654). The variant has been reported in ClinVar (Variation ID: 470451). In silico tools suggest the impact of the variant on protein function is inconclusive, though these predictions have not been confirmed by functional studies. The evidence is insufficient to meet ACMG/AMP criteria for classifying the variant as benign or pathogenic. Thus, the clinical significance of this variant is currently uncertain.

NM_003072.5(SMARCA4):c.707C>T (p.Pro236Leu)

Gene: SMARCA4 (SWI/SNF related BAF chromatin remodeling complex subunit ATPase 4; plus strand). Cytogenetic location: 19p13.2.
Variant type: single nucleotide variant.
Coding change: c.707C>T on transcript NM_003072.5 (MANE Select); coding-DNA position 707, C replaced by T.
Protein change: p.Pro236Leu; replaces proline 236 with leucine.
Molecular consequence: missense variant. On other transcripts: non-coding transcript variant (1).
Genome position (GRCh38, 1-based): chr19:10,986,540, C>T. VCF-style: chr19-10986540-C-T. GRCh37 (hg19) VCF-style: chr19-11097216-C-T.
Other names: c.707C>T, p.Pro236Leu (NM_001128844.3, NM_001128845.2, NM_001128846.2 and 5 more transcripts); short protein forms P236L.
Identifiers: ClinVar variation 470451 (VCV000470451.11), dbSNP rs1555753713, ClinGen allele CA404057099.